The following is an entry in ClinVar:

ClinVar aggregate classification (germline): Uncertain significance (1 of 4 stars; one submission).

Conditions:
BAZ1A-related disorder. Also called: BAZ1A-related condition.

gnomAD v4.1: 12 of 1,612,456 alleles (0.00074%); highest among the groups gnomAD compares: East Asian, 0.0022%; no homozygotes.

Submission:

PreventionGenetics, part of Exact Sciences
Classification: Uncertain significance for BAZ1A-related condition. Last evaluated: 2026-08-10. Review status: criteria provided, single submitter. Criteria: ACMG Guidelines, 2015. Collection method: clinical testing. Allele origin: germline.
Comment: The BAZ1A c.1157G>A variant is predicted to result in the amino acid substitution p.Arg386Gln. To our knowledge, this variant has not been reported in the literature or in a large population database (gnomAD), indicating this variant is rare. At this time, the clinical significance of this variant is uncertain due to the absence of conclusive functional and genetic evidence.

NM_013448.3(BAZ1A):c.1157G>A (p.Arg386Gln)

Gene: BAZ1A (bromodomain adjacent to zinc finger domain 1A; minus strand). Cytogenetic location: 14q13.1.
Variant type: single nucleotide variant.
Coding change: c.1157G>A on transcript NM_013448.3 (MANE Select); coding-DNA position 1157, G replaced by A.
Protein change: p.Arg386Gln; replaces arginine 386 with glutamine.
Molecular consequence: missense variant.
Genome position (GRCh38, 1-based): chr14:34,795,737, C>T on the plus strand (G>A on the coding strand, the complement: BAZ1A is on the minus strand). VCF-style: chr14-34795737-C-T. GRCh37 (hg19) VCF-style: chr14-35264943-C-T.
Other names: c.1157G>A, p.Arg386Gln (NM_182648.2); short protein forms R386Q.
Identifiers: ClinVar variation 4989643 (VCV004989643.1).